The following is an entry in ClinVar:

NM_001039591.3(USP9X):c.5719_5720del (p.Glu1907fs)

Gene: USP9X (ubiquitin specific peptidase 9 X-linked; plus strand). Cytogenetic location: Xp11.4.
Variant type: Deletion.
Coding change: c.5719_5720del on transcript NM_001039591.3 (MANE Select); coding-DNA positions 5719 to 5720, 2 bases deleted (GA; older notation c.5719_5720delGA).
Protein change: p.Glu1907fs; shifts the reading frame from glutamic acid 1907.
Molecular consequence: frameshift variant.
Genome position (GRCh38, 1-based): chrX:41,216,286-41,216,287, GA deleted; deleting any 2 consecutive bases within chrX:41,216,285-41,216,287 gives the same sequence; the c. name uses the placement nearest the transcript's 3' end. VCF-style (leftmost placement, unchanged base first): chrX-41216284-CAG-C. GRCh37 (hg19) VCF-style: chrX-41075537-CAG-C.
Other names: c.5719_5720del, p.Glu1907fs (NM_001039590.3); c.5734_5735del, p.Glu1912fs (NM_001410748.1, NM_001410749.1); short protein forms E1907fs, E1912fs.
Identifiers: ClinVar variation 3767295 (VCV003767295.1).

ClinVar aggregate classification (germline): Likely pathogenic (1 of 4 stars; one submission).

Conditions:
Hyperpigmentation of the skin. Also called: Hyperpigmentation. Identifiers: Orphanet 79375, MedGen C0162834, MONDO:0019289, HP:0000953.

Submission:

Clinical Genetics Laboratory, Skane University Hospital Lund
Classification: Likely pathogenic for Hyperpigmentation of the skin. Last evaluated: 2024-06-13. Review status: criteria provided, single submitter. Criteria: ACMG Guidelines, 2015. Collection method: clinical testing. Allele origin: germline. Affected: yes.
Comment: PVS1, PM2